The following is an entry in ClinVar:

NM_001754.5(RUNX1):c.59-12C>A

Gene: RUNX1 (RUNX family transcription factor 1; minus strand). Cytogenetic location: 21q22.12.
Variant type: single nucleotide variant.
Coding change: c.59-12C>A on transcript NM_001754.5 (MANE Select); 12 bases into the intron before coding-DNA position 59, C replaced by A.
Molecular consequence: intron variant.
Genome position (GRCh38, 1-based): chr21:34,892,975, G>T on the plus strand (C>A on the coding strand, the complement: RUNX1 is on the minus strand). VCF-style: chr21-34892975-G-T. GRCh37 (hg19) VCF-style: chr21-36265272-G-T.
Identifiers: ClinVar variation 1583452 (VCV001583452.10), dbSNP rs202245096, ClinGen allele CA10014637.

ClinVar aggregate classification (germline): Likely benign. Review status: reviewed by expert panel (3 of 4 stars). 3 submissions from 3 submitters: Likely benign (1). 2 of the submissions do not count toward it. Last evaluated 2023-11-13.

Conditions:
Hereditary thrombocytopenia and hematologic cancer predisposition syndrome. Identifiers: Orphanet 71290, MedGen CN281654, MONDO:0011071.
Hereditary thrombocytopenia and hematological cancer predisposition syndrome associated with RUNX1. Also called: RUNX1 Familial Platelet Disorder with Associated Myeloid Malignancies; Familial Platelet Disorder with Propensity to Acute Myelogenous Leukemia; Familial thrombocytopenia with propensity to acute myelogenous leukemia; PLATELET DISORDER, ASPIRIN-LIKE. Identifiers: Orphanet 71290, MedGen C1832388, MeSH C563324, MONDO:0100083, OMIM 601399.

Allele frequency attached by ClinVar (database versions not stated): ExAC 0.00002; 1000 Genomes Project 30x 0.00016; 1000 Genomes Project 0.00020.
gnomAD v4.1: 14 of 1,552,430 alleles (0.0009%); highest among the groups gnomAD compares: East Asian, 0.031%; 1 homozygote.

Submissions (3):

ClinGen Myeloid Malignancy Variant Curation Expert Panel
Classification: Likely benign for Hereditary thrombocytopenia and hematologic cancer predisposition syndrome. Last evaluated: 2023-11-13. Review status: reviewed by expert panel. Criteria: ClinGen MyeloMalig ACMG Specifications v2. Collection method: curation. Allele origin: germline. Inheritance: Autosomal dominant inheritance.
Comment: The NM_001754.5(RUNX1):c.59-12C>A variant is intronic and is located upstream to exon 3. The MAF of this variant is 0.00001613. However, in the East Asian subpopulation of the gnomAD v2.1.1 cohort, MAF is 0.0002190 (0.02190%, 4/248018 alleles), which is between 0.00015 (0.015%) and 0.0015 (0.15%) (BS1). In addition, splicing algorithms predicted no effect on splicing (SpliceAI score 0.08 < 0.20) (BP4) and evolutionary conservation prediction algorithms predict the site as not being conserved (PhyloP100way (GRCh38/hg38) score 0.368 < 2.0) (BP7). To our knowledge, this variant has not been found in patients with FPD/AML phenotype and no functional studies are available. In summary, this variant meets the criteria to be classified as likely benign. ACMG/AMP criteria applied, as specified by the Myeloid Malignancy Variant Curation Expert Panel for RUNX1: BS1, BP4, and BP7.

Labcorp Genetics (formerly Invitae), Labcorp
Classification: Likely benign for Hereditary thrombocytopenia and hematological cancer predisposition syndrome associated with RUNX1. Last evaluated: 2026-02-02. Review status: criteria provided, single submitter. Criteria: Invitae Variant Classification Sherloc (09022015). Collection method: clinical testing. Allele origin: germline. Not counted in ClinVar's aggregate classification.

GeneDx
Classification: Uncertain significance. Last evaluated: 2025-09-03. Review status: criteria provided, single submitter. Criteria: GeneDx Variant Classification Process June 2021. Collection method: clinical testing. Allele origin: germline. Affected: yes. Not counted in ClinVar's aggregate classification.
Comment: Not observed at significant frequency in large population cohorts (gnomAD); In silico analysis suggests that this variant does not alter splicing; Has not been previously published as pathogenic or benign to our knowledge